The following is an entry in ClinVar:

ClinVar aggregate classification (germline): Uncertain significance (1 of 4 stars; one submission).

Conditions:
Long QT syndrome (LQTS). Identifiers: MedGen C0023976, MeSH D008133, MONDO:0002442. Disease mechanism: loss of function. Inheritance: Various modes of inheritance.

Submission:

Labcorp Genetics (formerly Invitae), Labcorp
Classification: Uncertain significance for Long QT syndrome. Last evaluated: 2023-10-13. Review status: criteria provided, single submitter. Criteria: Invitae Variant Classification Sherloc (09022015). Collection method: clinical testing. Allele origin: germline.
Comment: This sequence change replaces serine, which is neutral and polar, with isoleucine, which is neutral and non-polar, at codon 575 of the ANK2 protein (p.Ser575Ile). This variant is not present in population databases (gnomAD no frequency). This variant has not been reported in the literature in individuals affected with ANK2-related conditions. ClinVar contains an entry for this variant (Variation ID: 1964230). Advanced modeling of protein sequence and biophysical properties (such as structural, functional, and spatial information, amino acid conservation, physicochemical variation, residue mobility, and thermodynamic stability) performed at Invitae indicates that this missense variant is not expected to disrupt ANK2 protein function. In summary, the available evidence is currently insufficient to determine the role of this variant in disease. Therefore, it has been classified as a Variant of Uncertain Significance.

NM_001148.6(ANK2):c.1724G>T (p.Ser575Ile)

Gene: ANK2 (ankyrin 2; plus strand). Cytogenetic location: 4q26.
Variant type: single nucleotide variant.
Coding change: c.1724G>T on transcript NM_001148.6 (MANE Select); coding-DNA position 1724, G replaced by T.
Protein change: p.Ser575Ile; replaces serine 575 with isoleucine.
Molecular consequence: missense variant.
Genome position (GRCh38, 1-based): chr4:113,277,877, G>T. VCF-style: chr4-113277877-G-T. GRCh37 (hg19) VCF-style: chr4-114199033-G-T.
Other names: c.1661G>T, p.Ser554Ile (NM_001127493.3, NM_001354239.2, NM_001354243.2 and 14 more transcripts); c.1724G>T, p.Ser575Ile (NM_001354225.2, NM_001354228.2, NM_001354232.2 and 8 more transcripts); c.1769G>T, p.Ser590Ile (NM_001354230.2, NM_001354231.2, NM_001354237.2 and 5 more transcripts); c.1637G>T, p.Ser546Ile (NM_001354249.2, NM_001354264.2, NM_001354266.2 and 13 more transcripts); c.1514G>T, p.Ser505Ile (NM_001354269.3); c.1712G>T, p.Ser571Ile (NM_001386148.2, NM_001386186.2); c.1439G>T, p.Ser480Ile (NM_001386157.1, NM_001386158.1, NM_001354277.2); c.1682G>T, p.Ser561Ile (NM_001386160.1, NM_001354261.2, NM_001386147.1); and 4 more; short protein forms S505I, S563I, S571I, S546I, S592I, S554I, S575I, S584I.
Identifiers: ClinVar variation 1964230 (VCV001964230.5), dbSNP rs2060804474, ClinGen allele CA357910890.